The following is an entry in ClinVar:

ClinVar aggregate classification (germline): Uncertain significance (1 of 4 stars; one submission).

Submission:

Ambry Genetics
Classification: Uncertain significance. Last evaluated: 2023-03-05. Review status: criteria provided, single submitter. Criteria: Ambry Variant Classification Scheme 2023. Collection method: clinical testing. Allele origin: germline.
Comment: The p.Q47K variant (also known as c.139C>A), located in coding exon 1 of the EGLN1 gene, results from a C to A substitution at nucleotide position 139. The glutamine at codon 47 is replaced by lysine, an amino acid with similar properties. This amino acid position is conserved. In addition, the in silico prediction for this alteration is inconclusive. Since supporting evidence is limited at this time, the clinical significance of this alteration remains unclear.

NM_022051.3(EGLN1):c.139C>A (p.Gln47Lys)

Gene: EGLN1 (egl-9 family hypoxia inducible factor 1; minus strand). Cytogenetic location: 1q42.2.
Variant type: single nucleotide variant.
Coding change: c.139C>A on transcript NM_022051.3 (MANE Select); coding-DNA position 139, C replaced by A.
Protein change: p.Gln47Lys; replaces glutamine 47 with lysine.
Molecular consequence: missense variant.
Genome position (GRCh38, 1-based): chr1:231,421,750, G>T on the plus strand (C>A on the coding strand, the complement: EGLN1 is on the minus strand). VCF-style: chr1-231421750-G-T. GRCh37 (hg19) VCF-style: chr1-231557496-G-T.
Other names: c.139C>A, p.Gln47Lys (NM_001377260.1, NM_001377261.1); short protein forms Q47K.
Identifiers: ClinVar variation 2457304 (VCV002457304.2), dbSNP rs2527361682, ClinGen allele CA345238947.